The following is an entry in ClinVar:

NM_001378120.1(MBD5):c.4849A>G (p.Asn1617Asp)

Gene: MBD5 (methyl-CpG binding domain protein 5; plus strand). Cytogenetic location: 2q23.1.
Variant type: single nucleotide variant.
Coding change: c.4849A>G on transcript NM_001378120.1 (MANE Select); coding-DNA position 4849, A replaced by G.
Protein change: p.Asn1617Asp; replaces asparagine 1617 with aspartic acid.
Molecular consequence: missense variant.
Genome position (GRCh38, 1-based): chr2:148,490,481, A>G. VCF-style: chr2-148490481-A-G. GRCh37 (hg19) VCF-style: chr2-149248050-A-G.
Other names: c.4150A>G, p.Asn1384Asp (NM_018328.5); short protein forms N1384D, N1617D.
Identifiers: ClinVar variation 1441461 (VCV001441461.8), dbSNP rs1681490063, ClinGen allele CA348731698.

ClinVar aggregate classification (germline): Uncertain significance (1 of 4 stars; one submission).

Conditions:
Intellectual developmental disorder, autosomal dominant 1. Also called: Intellectual disability, autosomal dominant 1; MBD5 Haploinsufficiency. Identifiers: Orphanet 228402, MedGen C1969562, MONDO:0007974, OMIM 156200.

Submission:

Labcorp Genetics (formerly Invitae), Labcorp
Classification: Uncertain significance for Intellectual developmental disorder, autosomal dominant 1. Last evaluated: 2021-12-02. Review status: criteria provided, single submitter. Criteria: Invitae Variant Classification Sherloc (09022015). Collection method: clinical testing. Allele origin: germline.
Comment: This variant is not present in population databases (gnomAD no frequency). This sequence change replaces asparagine, which is neutral and polar, with aspartic acid, which is acidic and polar, at codon 1384 of the MBD5 protein (p.Asn1384Asp). This variant has not been reported in the literature in individuals affected with MBD5-related conditions. Algorithms developed to predict the effect of missense changes on protein structure and function are either unavailable or do not agree on the potential impact of this missense change (SIFT: "Deleterious"; PolyPhen-2: "Not Available"; Align-GVGD: "Class C15"). In summary, the available evidence is currently insufficient to determine the role of this variant in disease. Therefore, it has been classified as a Variant of Uncertain Significance.